The following is an entry in ClinVar:

ClinVar aggregate classification (germline): Likely benign (1 of 4 stars; one submission).

Submission:

CeGaT Center for Human Genetics Tuebingen
Classification: Likely benign. Last evaluated: 2024-05-01. Review status: criteria provided, single submitter. Criteria: CeGaT Center For Human Genetics Tuebingen Variant Classification Criteria Version 2. Collection method: clinical testing. Allele origin: germline. Affected: yes. Observed: 1 variant allele.
Comment: NOTCH1: PM2:Supporting, BP4, BP7

NM_017617.5(NOTCH1):c.4404C>T (p.Asn1468=)

Gene: NOTCH1 (notch receptor 1; minus strand). Cytogenetic location: 9q34.3.
Variant type: single nucleotide variant.
Coding change: c.4404C>T on transcript NM_017617.5 (MANE Select); coding-DNA position 4404, C replaced by T.
Protein change: p.Asn1468=; no amino-acid change (asparagine 1468 retained).
Molecular consequence: synonymous variant.
Genome position (GRCh38, 1-based): chr9:136,505,492, G>A on the plus strand (C>T on the coding strand, the complement: NOTCH1 is on the minus strand). VCF-style: chr9-136505492-G-A. GRCh37 (hg19) VCF-style: chr9-139399944-G-A.
Identifiers: ClinVar variation 3239071 (VCV003239071.19), dbSNP rs1564190957.